The following is an entry in ClinVar:

NM_001376.5(DYNC1H1):c.8467C>T (p.Arg2823Trp)

Gene: DYNC1H1 (dynein cytoplasmic 1 heavy chain 1; plus strand). Cytogenetic location: 14q32.31.
Variant type: single nucleotide variant.
Coding change: c.8467C>T on transcript NM_001376.5 (MANE Select); coding-DNA position 8467, C replaced by T.
Protein change: p.Arg2823Trp; replaces arginine 2823 with tryptophan.
Molecular consequence: missense variant.
Genome position (GRCh38, 1-based): chr14:102,020,016, C>T. VCF-style: chr14-102020016-C-T. GRCh37 (hg19) VCF-style: chr14-102486353-C-T.
Other names: short protein forms R2823W.
Identifiers: ClinVar variation 1495241 (VCV001495241.8), dbSNP rs1248835520, ClinGen allele CA391006845.

ClinVar aggregate classification (germline): Uncertain significance (1 of 4 stars; one submission).

Conditions:
Charcot-Marie-Tooth disease axonal type 2O. Also called: CHARCOT-MARIE-TOOTH NEUROPATHY, AXONAL, TYPE 2O; CHARCOT-MARIE-TOOTH DISEASE, AXONAL, AUTOSOMAL DOMINANT, TYPE 2O; Charcot-Marie-Tooth Neuropathy Type 2O; Charcot-Marie-Tooth disease, axonal, type 20. Identifiers: Orphanet 284232, MedGen C3280220, MONDO:0013644, OMIM 614228.

Allele frequency attached by ClinVar (database versions not stated): gnomAD exomes below 0.00001.
gnomAD v4.1: 1 of 1,614,124 alleles (0.000062%); no homozygotes.

Submission:

Labcorp Genetics (formerly Invitae), Labcorp
Classification: Uncertain significance for Charcot-Marie-Tooth disease axonal type 2O. Last evaluated: 2021-05-05. Review status: criteria provided, single submitter. Criteria: Invitae Variant Classification Sherloc (09022015). Collection method: clinical testing. Allele origin: germline.
Comment: This sequence change replaces arginine with tryptophan at codon 2823 of the DYNC1H1 protein (p.Arg2823Trp). The arginine residue is highly conserved and there is a moderate physicochemical difference between arginine and tryptophan. This variant is not present in population databases (ExAC no frequency). This variant has not been reported in the literature in individuals with DYNC1H1-related conditions. Algorithms developed to predict the effect of missense changes on protein structure and function (SIFT, PolyPhen-2, Align-GVGD) all suggest that this variant is likely to be disruptive, but these predictions have not been confirmed by published functional studies and their clinical significance is uncertain. In summary, the available evidence is currently insufficient to determine the role of this variant in disease. Therefore, it has been classified as a Variant of Uncertain Significance.